The following is an entry in ClinVar:

NM_001807.6(CEL):c.1872C>T (p.Pro624=)

Gene: CEL (carboxyl ester lipase; plus strand). Cytogenetic location: 9q34.13.
Variant type: single nucleotide variant.
Coding change: c.1872C>T on transcript NM_001807.6 (MANE Select); coding-DNA position 1872, C replaced by T.
Protein change: p.Pro624=; no amino-acid change (proline 624 retained).
Molecular consequence: synonymous variant.
Genome position (GRCh38, 1-based): chr9:133,071,374, C>T. VCF-style: chr9-133071374-C-T. GRCh37 (hg19) VCF-style: chr9-135946761-C-T.
Identifiers: ClinVar variation 2659673 (VCV002659673.24), dbSNP rs1223840666, ClinGen allele CA467814080.
Genomic context (GRCh38, chr9:133,071,374, plus strand): 5'-GCCGCCCACGGGTGACTCCGGGGCCCCCCCCGTGCCGCCCACGGGTGACTCCGGGGCCCC[C>T]CCCGTGCCGCCCACGGGTGACTCCGGGGCCCCCCCCGTGCCGCCCACGGGTGACTCCGGG-3'
Protein context (NP_001798.3, residues 614-634): PVPPTGDSGA[Pro624=]PVPPTGDSGA

ClinVar aggregate classification (germline): Likely benign (1 of 4 stars; one submission).

Submission:

CeGaT Center for Human Genetics Tuebingen
Classification: Likely benign. Last evaluated: 2023-02-01. Review status: criteria provided, single submitter. Criteria: CeGaT Center For Human Genetics Tuebingen Variant Classification Criteria Version 2. Collection method: clinical testing. Allele origin: germline. Affected: yes. Observed: 1 variant allele.
Comment: CEL: BP4, BP7